The following is an entry in ClinVar:

ClinVar aggregate classification (germline): Uncertain significance (1 of 4 stars; one submission).

Conditions:
Neuropathy, hereditary sensory and autonomic, type 2A (HSAN2A). Also called: ACROOSTEOLYSIS, GIACCAI TYPE; ACROOSTEOLYSIS, NEUROGENIC; MORVAN DISEASE; NEUROPATHY, CONGENITAL SENSORY; NEUROPATHY, HEREDITARY SENSORY RADICULAR, AUTOSOMAL RECESSIVE; NEUROPATHY, HEREDITARY SENSORY, TYPE IIA. Identifiers: Orphanet 970, MedGen C2752089, MONDO:0024309, OMIM 201300.
Pseudohypoaldosteronism type 2C (PHA2C). Also called: Pseudohypoaldosteronism Type IIC. Identifiers: Orphanet 757, Orphanet 88940, MedGen C1840391, MONDO:0013778, OMIM 614492.

gnomAD v4.1: 1 of 1,614,004 alleles (0.000062%); highest among the groups gnomAD compares: Non-Finnish European, 0.000085%; no homozygotes.

Submission:

Labcorp Genetics (formerly Invitae), Labcorp
Classification: Uncertain significance for Neuropathy, hereditary sensory and autonomic, type 2A; Pseudohypoaldosteronism type 2C. Last evaluated: 2024-10-07. Review status: criteria provided, single submitter. Criteria: Invitae Variant Classification Sherloc (09022015). Collection method: clinical testing. Allele origin: germline.
Comment: This sequence change replaces threonine, which is neutral and polar, with alanine, which is neutral and non-polar, at codon 1746 of the WNK1 protein (p.Thr1746Ala). This variant is not present in population databases (gnomAD no frequency). This variant has not been reported in the literature in individuals affected with WNK1-related conditions. Invitae Evidence Modeling of protein sequence and biophysical properties (such as structural, functional, and spatial information, amino acid conservation, physicochemical variation, residue mobility, and thermodynamic stability) indicates that this missense variant is not expected to disrupt WNK1 protein function with a negative predictive value of 95%. In summary, the available evidence is currently insufficient to determine the role of this variant in disease. Therefore, it has been classified as a Variant of Uncertain Significance.

NM_018979.4(WNK1):c.4480A>G (p.Thr1494Ala)

Gene: WNK1 (WNK lysine deficient protein kinase 1; plus strand). Cytogenetic location: 12p13.33.
Variant type: single nucleotide variant.
Coding change: c.4480A>G on transcript NM_018979.4 (MANE Select); coding-DNA position 4480, A replaced by G.
Protein change: p.Thr1494Ala; replaces threonine 1494 with alanine.
Molecular consequence: missense variant.
Genome position (GRCh38, 1-based): chr12:885,284, A>G. VCF-style: chr12-885284-A-G. GRCh37 (hg19) VCF-style: chr12-994450-A-G.
Other names: c.5260A>G, p.Thr1754Ala (NM_001184985.2); c.3739A>G, p.Thr1247Ala (NM_014823.3); c.5236A>G, p.Thr1746Ala (NM_213655.5); short protein forms T1247A, T1494A, T1746A, T1754A.
Identifiers: ClinVar variation 3752687 (VCV003752687.2).